The following is an entry in ClinVar:

ClinVar aggregate classification (germline): Pathogenic (1 of 4 stars; one submission).

Conditions:
Autosomal recessive nonsyndromic hearing loss 4 (DFNB4). Also called: Deafness, autosomal recessive 4; FOXI1-Related Pendred Syndrome; KCNJ10-Related Pendred Syndrome; DEAFNESS, AUTOSOMAL RECESSIVE 4, WITH ENLARGED VESTIBULAR AQUEDUCT, DIGENIC; NEUROSENSORY NONSYNDROMIC RECESSIVE DEAFNESS 4; Nonsyndromic enlarged vestibular aqueduct (NSEVA). Identifiers: Orphanet 90636, MedGen C3538946, MONDO:0010933, OMIM 600791.

Submission:

Institute of Rare Diseases, West China Hospital, Sichuan University
Classification: Pathogenic for Autosomal recessive nonsyndromic hearing loss 4. Last evaluated: 2025-01-09. Review status: criteria provided, single submitter. Criteria: ClinGen HL ACMG Specifications v1. Collection method: research. Allele origin: germline. Affected: yes.
Comment: PVS1;PM3;PP1;PP4;PM2_Supporting

NM_000441.2(SLC26A4):c.1703_1707+6del

Gene: SLC26A4 (solute carrier family 26 member 4; plus strand). Cytogenetic location: 7q22.3.
Variant type: Deletion.
Coding change: c.1703_1707+6del on transcript NM_000441.2 (MANE Select); coding-DNA position 1703 through 6 bases into the intron after coding-DNA position 1707, 11 bases deleted (CCACAGTAAGT).
Molecular consequence: splice donor variant.
Genome position (GRCh38, 1-based): chr7:107,700,171-107,700,181, CCACAGTAAGT deleted; deleting any 11 consecutive bases within chr7:107,700,167-107,700,181 gives the same sequence; the c. name uses the placement nearest the transcript's 3' end. VCF-style (leftmost placement, unchanged base first): chr7-107700166-CAAGTCCACAGT-C. GRCh37 (hg19) VCF-style: chr7-107340611-CAAGTCCACAGT-C.
Identifiers: ClinVar variation 3601749 (VCV003601749.1).